The following is an entry in ClinVar:

ClinVar aggregate classification (germline): Conflicting classifications of pathogenicity. Review status: criteria provided, conflicting classifications (1 of 4 stars). 2 submissions from 2 submitters: Uncertain significance (1); Likely benign (1). Last evaluated 2025-10-02.

Conditions:
Cardiovascular phenotype. Identifiers: MedGen CN230736.
Long QT syndrome (LQTS). Identifiers: MedGen C0023976, MeSH D008133, MONDO:0002442. Disease mechanism: loss of function. Inheritance: Various modes of inheritance.

gnomAD v4.1: 3 of 1,613,656 alleles (0.00019%); highest among the groups gnomAD compares: Non-Finnish European, 0.000085%; no homozygotes.

Submissions (2):

Ambry Genetics
Classification: Uncertain significance for Cardiovascular phenotype. Last evaluated: 2025-10-02. Review status: criteria provided, single submitter. Criteria: Ambry Variant Classification Scheme 2023. Collection method: clinical testing. Allele origin: germline.
Comment: The p.D899N variant (also known as c.2695G>A), located in coding exon 20 of the CACNA1C gene, results from a G to A substitution at nucleotide position 2695. The aspartic acid at codon 899 is replaced by asparagine, an amino acid with highly similar properties. This amino acid position is not well conserved in available vertebrate species. In addition, this alteration is predicted to be tolerated by in silico analysis. According to data from gnomAD, the frequency for this variant is above the maximum credible frequency for a cardiac disease-causing variant in this gene based on internally established thresholds (Karczewski et al. Nature. 2020 May;581(7809):434-443; Whiffin et al. Genet Med. 2017 10;19:1151-1158). Based on the available evidence, the clinical significance of this variant remains unclear for CACNA1C-related neurodevelopmental disorder; however, it is unlikely to be causative of CACNA1C-related long QT syndrome / Timothy syndrome.

Labcorp Genetics (formerly Invitae), Labcorp
Classification: Likely benign for Long QT syndrome. Last evaluated: 2024-10-30. Review status: criteria provided, single submitter. Criteria: Invitae Variant Classification Sherloc (09022015). Collection method: clinical testing. Allele origin: germline.

NM_000719.7(CACNA1C):c.2695G>A (p.Asp899Asn)

Gene: CACNA1C (calcium voltage-gated channel subunit alpha1 C; plus strand). Cytogenetic location: 12p13.33.
Variant type: single nucleotide variant.
Coding change: c.2695G>A on transcript NM_000719.7 (MANE Select); coding-DNA position 2695, G replaced by A.
Protein change: p.Asp899Asn; replaces aspartic acid 899 with asparagine.
Molecular consequence: missense variant.
Genome position (GRCh38, 1-based): chr12:2,595,905, G>A. VCF-style: chr12-2595905-G-A. GRCh37 (hg19) VCF-style: chr12-2705071-G-A.
Other names: c.2695G>A, p.Asp899Asn (NM_001129829.2, NM_001129830.3, NM_001129831.2 and 18 more transcripts); c.2686G>A, p.Asp896Asn (NM_001129844.2); short protein forms D896N, D899N.
Identifiers: ClinVar variation 3679602 (VCV003679602.3).